The following is an entry in ClinVar:

NM_014049.5(ACAD9):c.77A>G (p.Asn26Ser)

Gene: ACAD9 (acyl-CoA dehydrogenase family member 9; plus strand). Cytogenetic location: 3q21.3.
Variant type: single nucleotide variant.
Coding change: c.77A>G on transcript NM_014049.5 (MANE Select); coding-DNA position 77, A replaced by G.
Protein change: p.Asn26Ser; replaces asparagine 26 with serine.
Molecular consequence: missense variant. On other transcripts: non-coding transcript variant (1).
Genome position (GRCh38, 1-based): chr3:128,879,768, A>G. VCF-style: chr3-128879768-A-G. GRCh37 (hg19) VCF-style: chr3-128598611-A-G.
Other names: c.-199A>G (NM_001410805.1); c.77A>G (NM_014049.4); short protein forms N26S.
Identifiers: ClinVar variation 2188326 (VCV002188326.3), dbSNP rs1203559610, ClinGen allele CA354429622.

ClinVar aggregate classification (germline): Conflicting classifications of pathogenicity. Review status: criteria provided, conflicting classifications (1 of 4 stars). 2 submissions from 2 submitters: Uncertain significance (1); Likely benign (1). Last evaluated 2025-07-05.

Conditions:
Inborn genetic diseases. Identifiers: MedGen C0950123, MeSH D030342.

Allele frequency attached by ClinVar (database versions not stated): gnomAD exomes 0.00003.

Submissions (2):

Labcorp Genetics (formerly Invitae), Labcorp
Classification: Uncertain significance. Last evaluated: 2025-07-05. Review status: criteria provided, single submitter. Criteria: Invitae Variant Classification Sherloc (09022015). Collection method: clinical testing. Allele origin: germline.
Comment: This sequence change replaces asparagine, which is neutral and polar, with serine, which is neutral and polar, at codon 26 of the ACAD9 protein (p.Asn26Ser). This variant is present in population databases (no rsID available, gnomAD 0.0009%). This variant has not been reported in the literature in individuals affected with ACAD9-related conditions. ClinVar contains an entry for this variant (Variation ID: 2188326). Invitae Evidence Modeling of protein sequence and biophysical properties (such as structural, functional, and spatial information, amino acid conservation, physicochemical variation, residue mobility, and thermodynamic stability) indicates that this missense variant is not expected to disrupt ACAD9 protein function with a negative predictive value of 95%. In summary, the available evidence is currently insufficient to determine the role of this variant in disease. Therefore, it has been classified as a Variant of Uncertain Significance.

Ambry Genetics
Classification: Likely benign for Inborn genetic diseases. Last evaluated: 2022-10-25. Review status: criteria provided, single submitter. Criteria: Ambry Variant Classification Scheme 2023. Collection method: clinical testing. Allele origin: germline.